The following is an entry in ClinVar:

NM_001042492.3(NF1):c.2951G>A (p.Gly984Glu)

Gene: NF1 (neurofibromin 1; plus strand). Cytogenetic location: 17q11.2.
Variant type: single nucleotide variant.
Coding change: c.2951G>A on transcript NM_001042492.3 (MANE Select); coding-DNA position 2951, G replaced by A.
Protein change: p.Gly984Glu; replaces glycine 984 with glutamic acid.
Molecular consequence: missense variant.
Genome position (GRCh38, 1-based): chr17:31,229,935, G>A. VCF-style: chr17-31229935-G-A. GRCh37 (hg19) VCF-style: chr17-29556953-G-A.
Other names: c.2951G>A, p.Gly984Glu (NM_000267.4); short protein forms G984E.
Identifiers: ClinVar variation 1798063 (VCV001798063.6), dbSNP rs2151430747, ClinGen allele CA398986312.
Genomic context (GRCh38, chr17:31,229,935, plus strand): 5'-CCATAGCTATAATGAAGAACTTGCTAGATAATCATACTGAAGGCAGCTCTGAACATCTAG[G>A]GCAAGCTAGCATTGAAACAATGATGTTAAATCTGGTCAGGTAAGCATTCTACTGAAATGT-3'
Protein context (NP_001035957.1, residues 974-994): NHTEGSSEHL[Gly984Glu]QASIETMMLN

ClinVar aggregate classification (germline): Uncertain significance. Review status: criteria provided, multiple submitters, no conflicts (2 of 4 stars). 2 submissions from 2 submitters: Uncertain significance (2). Last evaluated 2025-10-10.

Conditions:
Hereditary cancer-predisposing syndrome. Also called: Neoplastic Syndromes, Hereditary; Tumor predisposition; Hereditary neoplastic syndrome; Hereditary Cancer Syndrome. Identifiers: Orphanet 140162, MedGen C0027672, MeSH D009386, MONDO:0015356.
Cardiovascular phenotype. Identifiers: MedGen CN230736.
Neurofibromatosis, type 1 (NF1). Also called: NEUROFIBROMATOSIS, TYPE I, SOMATIC; Peripheral type neurofibromatosis; VON RECKLINGHAUSEN DISEASE; Neurofibromatosis, type I. Identifiers: Orphanet 636, MedGen C0027831, MONDO:0018975, OMIM 162200. Disease mechanism: loss of function.

Submissions (2):

Ambry Genetics
Classification: Uncertain significance for Cardiovascular phenotype; Hereditary cancer-predisposing syndrome. Last evaluated: 2025-10-10. Review status: criteria provided, single submitter. Criteria: Ambry Variant Classification Scheme 2023. Collection method: clinical testing. Allele origin: germline.
Comment: The p.G984E variant (also known as c.2951G>A), located in coding exon 22 of the NF1 gene, results from a G to A substitution at nucleotide position 2951. The glycine at codon 984 is replaced by glutamic acid, an amino acid with similar properties. This amino acid position is conserved. In addition, this alteration is predicted to be deleterious by in silico analysis. Since supporting evidence is limited at this time, the clinical significance of this alteration remains unclear.

Labcorp Genetics (formerly Invitae), Labcorp
Classification: Uncertain significance for Neurofibromatosis, type 1. Last evaluated: 2022-11-15. Review status: criteria provided, single submitter. Criteria: Invitae Variant Classification Sherloc (09022015). Collection method: clinical testing. Allele origin: germline.
Comment: In summary, the available evidence is currently insufficient to determine the role of this variant in disease. Therefore, it has been classified as a Variant of Uncertain Significance. Advanced modeling of protein sequence and biophysical properties (such as structural, functional, and spatial information, amino acid conservation, physicochemical variation, residue mobility, and thermodynamic stability) has been performed at Invitae for this missense variant, however the output from this modeling did not meet the statistical confidence thresholds required to predict the impact of this variant on NF1 protein function. This variant has not been reported in the literature in individuals affected with NF1-related conditions. This variant is not present in population databases (gnomAD no frequency). This sequence change replaces glycine, which is neutral and non-polar, with glutamic acid, which is acidic and polar, at codon 984 of the NF1 protein (p.Gly984Glu).